The following is an entry in ClinVar:

NC_000005.10:g.(?_35860832)_(35871233_?)del

Genes: IL7R (interleukin 7 receptor; plus strand), LOC129993794 (ATAC-STARR-seq lymphoblastoid active region 22471; plus strand). Cytogenetic location: 5p13.2.
Variant type: Deletion.
Identifiers: ClinVar variation 650715 (VCV000650715.10).

ClinVar aggregate classification (germline): Pathogenic (1 of 4 stars; one submission).

Conditions:
Immunodeficiency 104. Also called: SCID, AUTOSOMAL RECESSIVE, T CELL-NEGATIVE, B CELL-POSITIVE, NK CELL-POSITIVE; Severe Combined Immune Deficiency, Autosomal Recessive, TCell -Negative, B Cell-Positive, NK Cell-Positive, IL7R-Related; Severe combined immunodeficiency, autosomal recessive, T cell-negative, B cell-positive, NK cell-positive; IMMUNODEFICIENCY 104, SEVERE COMBINED. Identifiers: MedGen C5676890, MONDO:0012163, OMIM 608971.

Submission:

Labcorp Genetics (formerly Invitae), Labcorp
Classification: Pathogenic for Immunodeficiency 104. Last evaluated: 2023-12-01. Review status: criteria provided, single submitter. Criteria: Invitae Variant Classification Sherloc (09022015). Collection method: clinical testing. Allele origin: germline.
Comment: This variant is a gross deletion of the genomic region encompassing exon(s) 2-4 of the IL7R gene. This deletion is out-of-frame, and is expected to create a premature termination codon and result in an absent or disrupted protein product. Loss-of-function variants in IL7R are known to be pathogenic (PMID: 21664875, 26123418). A similar copy number variant has been observed in individual(s) with T-B+NK+ severe combined immunodeficiency (PMID: 27807805). For these reasons, this variant has been classified as Pathogenic.

Literature cited by the submitters: PubMed 21664875; PubMed 26123418; PubMed 27807805.